The following is an entry in ClinVar:

NM_000448.3(RAG1):c.422dup (p.Leu141fs)

Gene: RAG1 (recombination activating 1; plus strand). Cytogenetic location: 11p12.
Variant type: Duplication.
Coding change: c.422dup on transcript NM_000448.3 (MANE Select); coding-DNA position 422, one base duplicated (T; older notation c.422dupT).
Protein change: p.Leu141fs; shifts the reading frame from leucine 141.
Molecular consequence: frameshift variant.
Genome position (GRCh38, 1-based): chr11:36,573,726, T duplicated; the last of 4 consecutive T bases (chr11:36,573,723-36,573,726); duplicating any one gives the same sequence. VCF-style (leftmost placement, unchanged base first): chr11-36573722-C-CT. GRCh37 (hg19) VCF-style: chr11-36595272-C-CT.
Other names: c.422dup, p.Leu141fs (NM_001377277.1, NM_001377278.1, NM_001377279.1 and 3 more transcripts); short protein forms L141fs.
Identifiers: ClinVar variation 4855396 (VCV004855396.1).

ClinVar aggregate classification (germline): Likely pathogenic (1 of 4 stars; one submission).

Conditions:
RAG1-related disorder. Also called: RAG1-related condition; RAG1-related disorders.

Submission:

3billion
Classification: Likely pathogenic for RAG1-related disorder. Last evaluated: 2025-05-14. Review status: criteria provided, single submitter. Criteria: ACMG Guidelines, 2015. Collection method: clinical testing. Allele origin: germline. Affected: yes.
Comment: The variant is not observed in the gnomAD v4.1.0 dataset. Predicted Consequence/Location: Frameshift: predicted to result in a loss or disruption of normal protein function through protein truncation. The predicted truncated protein may be shortened by more than 10%. Therefore, this variant is classified as Likely pathogenic according to the recommendation of ACMG/AMP guideline.